The following is an entry in ClinVar:

ClinVar aggregate classification (germline): Likely pathogenic (1 of 4 stars; one submission).

gnomAD v4.1: 1 of 1,613,594 alleles (0.000062%); no homozygotes.

Submissions (2):

Labcorp Genetics (formerly Invitae), Labcorp
Classification: Likely pathogenic. Last evaluated: 2023-10-06. Review status: criteria provided, single submitter. Criteria: Invitae Variant Classification Sherloc (09022015). Collection method: clinical testing. Allele origin: germline.
Comment: This sequence change affects an acceptor splice site in intron 19 of the ITGB4 gene. It is expected to disrupt RNA splicing. Variants that disrupt the donor or acceptor splice site typically lead to a loss of protein function (PMID: 16199547), and loss-of-function variants in ITGB4 are known to be pathogenic (PMID: 11328943, 16473856). This variant is not present in population databases (gnomAD no frequency). This variant has not been reported in the literature in individuals affected with ITGB4-related conditions. Algorithms developed to predict the effect of sequence changes on RNA splicing suggest that this variant may disrupt the consensus splice site. In summary, the currently available evidence indicates that the variant is pathogenic, but additional data are needed to prove that conclusively. Therefore, this variant has been classified as Likely Pathogenic.

Dr. Peter K. Rogan Lab, Western University
No classification provided (evidence only). Condition: Lung cancer. Review status: no classification provided. Collection method: in vitro. Allele origin: not applicable. Functional consequence: skipped exon. Not counted in ClinVar's aggregate classification.

Literature cited by the submitters: PubMed 16199547 (cited by Labcorp Genetics (formerly Invitae), Labcorp); PubMed 11328943 (cited by Labcorp Genetics (formerly Invitae), Labcorp); PubMed 16473856 (cited by Labcorp Genetics (formerly Invitae), Labcorp).

NM_000213.5(ITGB4):c.2255-1G>A

Gene: ITGB4 (integrin subunit beta 4; plus strand). Cytogenetic location: 17q25.1.
Variant type: single nucleotide variant.
Coding change: c.2255-1G>A on transcript NM_000213.5 (MANE Select); the canonical splice acceptor site of the intron before coding-DNA position 2255, G replaced by A.
Molecular consequence: splice acceptor variant.
Genome position (GRCh38, 1-based): chr17:75,739,879, G>A. VCF-style: chr17-75739879-G-A. GRCh37 (hg19) VCF-style: chr17-73735960-G-A.
Other names: c.2255-1G>A (NM_001005619.2, NM_001005731.3, NM_001438834.1 and 1 more transcripts).
Identifiers: ClinVar variation 2968837 (VCV002968837.4), dbSNP rs2545786054, ClinGen allele CA401062669.